The following is an entry in ClinVar:

ClinVar aggregate classification (germline): Conflicting classifications of pathogenicity. Review status: criteria provided, conflicting classifications (1 of 4 stars). 17 submissions from 17 submitters: Uncertain significance (2); Benign (1); Likely benign (9). 5 of the submissions do not count toward it. Last evaluated 2025-12-17.

Conditions:
Inherited breast cancer and ovarian cancer.
Hereditary cancer-predisposing syndrome. Also called: Tumor predisposition; Neoplastic Syndromes, Hereditary; Hereditary neoplastic syndrome; Hereditary Cancer Syndrome. Identifiers: Orphanet 140162, MedGen C0027672, MeSH D009386, MONDO:0015356.
Hereditary breast ovarian cancer syndrome. Also called: Hereditary breast and ovarian cancer; Hereditary breast and ovarian cancer syndrome (HBOC); Hereditary breast and/or ovarian cancer syndrome; Breast and ovarian cancer; Hereditary breast and ovarian cancer syndrome; BRCA1- and BRCA2-Associated Hereditary Breast and Ovarian Cancer. Identifiers: Orphanet 145, MedGen C0677776, MeSH D061325, MONDO:0003582. Disease mechanism: loss of function.
Breast-ovarian cancer, familial, susceptibility to, 2 (BROVCA2). Also called: BRCA2 Hereditary Breast and Ovarian Cancer. Identifiers: Orphanet 145, MedGen C2675520, MONDO:0012933, OMIM 612555. Disease mechanism: loss of function.
Malignant tumor of breast. Also called: Malignant breast neoplasm; Cancer breast. Identifiers: MedGen C0006142, MONDO:0007254. Disease mechanism: loss of function.

Allele frequency attached by ClinVar (database versions not stated): ExAC 0.00001; gnomAD exomes 0.00001 and 0.00005; gnomAD 0.00002; TOPMed 0.00002.
gnomAD v4.1: 74 of 1,613,906 alleles (0.0046%); highest among the groups gnomAD compares: Non-Finnish European, 0.0061%; no homozygotes.

Submissions (17):

Labcorp Genetics (formerly Invitae), Labcorp
Classification: Likely benign for Hereditary breast ovarian cancer syndrome. Last evaluated: 2025-12-17. Review status: criteria provided, single submitter. Criteria: Invitae Variant Classification Sherloc (09022015). Collection method: clinical testing. Allele origin: germline.

Women's Health and Genetics/Laboratory Corporation of America, LabCorp
Classification: Likely benign. Last evaluated: 2025-10-30. Review status: criteria provided, single submitter. Criteria: LabCorp Variant Classification Summary - May 2015. Collection method: clinical testing. Allele origin: germline.
Comment: Variant summary: BRCA2 c.5896C>T (p.His1966Tyr) results in a conservative amino acid change in the encoded protein sequence. Algorithms developed to predict the effect of missense changes on protein structure and function all suggest that this variant is likely to be tolerated. The variant allele was found at a frequency of 1.2e-05 in 250972 control chromosomes. The available data on variant occurrences in the general population are insufficient to allow any conclusion about variant significance. c.5896C>T has been reported in the literature in individuals affected with cancer phenotypes without strong evidence for causality (e.g. Spearman_2008, Caux-Montcoutier_2011, Lu_2015). These reports do not provide unequivocal conclusions about association of the variant with Hereditary Breast And Ovarian Cancer Syndrome. Co-occurrences with other pathogenic variants have been observed in internal samples (BRCA1 c.213-11T>G; BRIP1 c.2392C>T, p.Arg798X), providing supporting evidence for a benign role. To our knowledge, no experimental evidence demonstrating an impact on protein function has been reported. The following publications have been ascertained in the context of this evaluation (PMID: 21120943, 26689913, 25348012, 18824701). ClinVar contains an entry for this variant (Variation ID: 38005). Based on the evidence outlined above, the variant was classified as likely benign.

Mayo Clinic Laboratories, Mayo Clinic
Classification: Benign. Last evaluated: 2024-10-21. Review status: criteria provided, single submitter. Criteria: ACMG Guidelines, 2015. Collection method: clinical testing. Allele origin: germline. Observed: 1 variant allele.
Comment: BP1_strong, BP5_strong

Genomics and Molecular Medicine Service, East Genomic Laboratory Hub, NHS Genomic Medicine Service
Classification: Likely benign for Inherited breast cancer and ovarian cancer. Last evaluated: 2024-06-26. Review status: criteria provided, single submitter. Criteria: ACGS Best Practice Guidelines for Variant Classification in Rare Disease 2020. Collection method: clinical testing. Allele origin: germline. Affected: yes.
Comment: BS3,BP1,BP4

University of Washington Department of Laboratory Medicine, University of Washington
Classification: Likely benign for Hereditary cancer-predisposing syndrome. Last evaluated: 2023-03-23. Review status: criteria provided, single submitter. Criteria: Dines et al. (Genet Med. 2020). Collection method: curation. Allele origin: germline.
Comment: Missense variant in a coldspot region where missense variants are very unlikely to be pathogenic (PMID:31911673).

BRCA2 exon 11 coldspot. Reclassification based on statistical prior probability.

Quest Diagnostics Nichols Institute San Juan Capistrano
Classification: Likely benign. Last evaluated: 2022-08-25. Review status: criteria provided, single submitter. Criteria: Quest Diagnostics criteria. Collection method: clinical testing. Allele origin: unknown.

St. Jude Molecular Pathology, St. Jude Children's Research Hospital
Classification: Uncertain significance for Hereditary breast ovarian cancer syndrome. Last evaluated: 2021-08-04. Review status: criteria provided, single submitter. Criteria: St. Jude Assertion Criteria 2020. Collection method: clinical testing. Allele origin: germline.

ARUP Laboratories, Molecular Genetics and Genomics, ARUP Laboratories
Classification: Uncertain significance. Last evaluated: 2021-02-28. Review status: criteria provided, single submitter. Criteria: ARUP Molecular Germline Variant Investigation Process 2021. Collection method: clinical testing. Allele origin: germline.
Comment: The BRCA2 c.5896C>T; p.His1966Tyr variant (rs80358822) is reported in the literature in a large cohort of individuals with a personal or family history of breast or ovarian cancer, but no specific phenotype data is available (Caux-Moncoutier 2011). This variant is reported in ClinVar (Variation ID: 38005), and is only observed on four alleles in the Genome Aggregation Database, indicating it is not a common polymorphism. The histidine at codon 1966 is weakly conserved, and computational analyses are uncertain whether this variant is neutral or deleterious (REVEL: 0.184). Due to limited information, the clinical significance of the p.His1966Tyr variant is uncertain at this time.

Ambry Genetics
Classification: Likely benign for Hereditary cancer-predisposing syndrome. Last evaluated: 2020-10-05. Review status: criteria provided, single submitter. Criteria: Ambry Variant Classification Scheme 2023. Collection method: clinical testing. Allele origin: germline.

GeneDx
Classification: Likely benign. Last evaluated: 2017-11-02. Review status: criteria provided, single submitter. Criteria: GeneDx Variant Classification (06012015). Collection method: clinical testing. Allele origin: germline. Affected: yes.
Comment: This variant is considered likely benign or benign based on one or more of the following criteria: it is a conservative change, it occurs at a poorly conserved position in the protein, it is predicted to be benign by multiple in silico algorithms, and/or has population frequency not consistent with disease.

Color Diagnostics, LLC DBA Color Health
Classification: Likely benign for Hereditary cancer-predisposing syndrome. Last evaluated: 2017-04-10. Review status: criteria provided, single submitter. Criteria: ACMG Guidelines, 2015. Collection method: clinical testing. Allele origin: germline.

Vantari Genetics
Classification: Likely benign for Hereditary cancer-predisposing syndrome. Last evaluated: 2015-11-26. Review status: criteria provided, single submitter. Criteria: ACMG Guidelines, 2015. Collection method: clinical testing. Allele origin: germline.

BRCAlab, Lund University
Classification: Uncertain significance for Breast-ovarian cancer, familial, susceptibility to, 2. Last evaluated: 2020-03-02. Review status: no assertion criteria provided. Collection method: clinical testing. Allele origin: germline. Affected: yes. Not counted in ClinVar's aggregate classification.

Counsyl
Classification: Uncertain significance for Breast-ovarian cancer, familial, susceptibility to, 2. Last evaluated: 2017-05-01. Review status: no assertion criteria provided. Collection method: clinical testing. Allele origin: unknown. Not counted in ClinVar's aggregate classification.

Sharing Clinical Reports Project (SCRP)
Classification: Likely benign for Breast-ovarian cancer, familial 2. Last evaluated: 2010-02-11. Review status: no assertion criteria provided. Collection method: clinical testing. Allele origin: germline. Not counted in ClinVar's aggregate classification.

Breast Cancer Information Core (BIC) (BRCA2)
Classification: Uncertain significance for Breast-ovarian cancer, familial 2. Last evaluated: 2004-02-20. Review status: no assertion criteria provided. Collection method: clinical testing. Allele origin: germline. Affected: yes. Observed: 5 variant alleles. Not counted in ClinVar's aggregate classification.

Department of Pathology and Laboratory Medicine, Sinai Health System
Classification: Likely benign for Malignant tumor of breast. Review status: no assertion criteria provided. Collection method: clinical testing. Allele origin: unknown. Affected: yes. Study: The Canadian Open Genetics Repository (COGR). Not counted in ClinVar's aggregate classification.
Comment: The BRCA2 p.His1966Tyr variant was not identified in the literature nor was it identified in the Cosmic, Zhejiang Colon Cancer Database, databases. The variant was identified in dbSNP (ID: rs80358822) as With other allele, ClinVar (classified as likely benign by Invitae, GeneDx, Vantari Genetics, SCRP; classified as uncertain significance by Ambry Genetics, BIC), Clinvitae (conflicting interpretations of pathogenicity), MutDB, LOVD 3.0 (3X predicted neutral), UMD-LSDB (4X unclassified variant), BIC Database (5X with unknown clinical significance), ARUP Laboratories (uncertain significance), databases. The variant was identified in control databases in 3 of 277056 chromosomes at a frequency of 0.000011 (Genome Aggregation Consortium Feb 27, 2017). The p.His1966 residue is not conserved in mammals and computational analyses (PolyPhen-2, SIFT, AlignGVGD, BLOSUM, MutationTaster) do not suggest a high likelihood of impact to the protein; however, this information is not predictive enough to rule out pathogenicity. The variant occurs outside of the splicing consensus sequence and in silico or computational prediction software programs (SpliceSiteFinder, MaxEntScan, NNSPLICE, GeneSplicer, HumanSpliceFinder) do not predict a difference in splicing. The variant is located with the Breast cancer type 2 susceptibility protein functional domain increasing the likelihood that it may have clinical significance. In summary, based on the above information, the clinical significance of this variant cannot be determined with certainty at this time although we would lean towards a more benign role for this variant. This variant is classified as likely benign.

Literature cited by the submitters: PubMed 18824701 (cited by 3 submitters); PubMed 21120943 (cited by 3 submitters); PubMed 25348012 (cited by 3 submitters); PubMed 26689913 (cited by 4 submitters); PubMed 31131967 (cited by Quest Diagnostics Nichols Institute San Juan Capistrano and Ambry Genetics); PubMed 17924331 (cited by Ambry Genetics); PubMed 21990165 (cited by Ambry Genetics).

NM_000059.4(BRCA2):c.5896C>T (p.His1966Tyr)

Gene: BRCA2 (BRCA2 DNA repair associated; plus strand). Cytogenetic location: 13q13.1.
Variant type: single nucleotide variant.
Coding change: c.5896C>T on transcript NM_000059.4 (MANE Select); coding-DNA position 5896, C replaced by T.
Protein change: p.His1966Tyr; replaces histidine 1966 with tyrosine.
Molecular consequence: missense variant.
Genome position (GRCh38, 1-based): chr13:32,340,251, C>T. VCF-style: chr13-32340251-C-T. GRCh37 (hg19) VCF-style: chr13-32914388-C-T.
Other names: p.H1966Y:CAT>TAT; p.His1966Tyr; 6124C>T; short protein forms H1966Y.
Identifiers: ClinVar variation 38005 (VCV000038005.38), dbSNP rs80358822, ClinGen allele CA023347.